The following is an entry in ClinVar:

NM_001291303.3(FAT4):c.9362C>T (p.Ala3121Val)

Gene: FAT4 (FAT atypical cadherin 4; plus strand). Cytogenetic location: 4q28.1.
Variant type: single nucleotide variant.
Coding change: c.9362C>T on transcript NM_001291303.3 (MANE Select); coding-DNA position 9362, C replaced by T.
Protein change: p.Ala3121Val; replaces alanine 3121 with valine.
Molecular consequence: missense variant.
Genome position (GRCh38, 1-based): chr4:125,450,372, C>T. VCF-style: chr4-125450372-C-T. GRCh37 (hg19) VCF-style: chr4-126371527-C-T.
Other names: c.9362C>T, p.Ala3121Val (NM_001291285.3); c.9356C>T, p.Ala3119Val (NM_024582.6); short protein forms A3121V, A3119V.
Identifiers: ClinVar variation 2203572 (VCV002203572.1), dbSNP rs1325978882, ClinGen allele CA358151777.
Genomic context (GRCh38, chr4:125,450,372, plus strand): 5'-CTGAGAGCCATAGCATTGGGTCCATTGTCAGAACTGTTTCTGCAAGAGATAGAGATGCAG[C>T]GATGAATGGCTTGATTAAGTACAGCATTTCTTCAGGAAATGAAGAAGGCATTTTTGCAAT-3'
Protein context (NP_001278232.1, residues 3111-3131): RTVSARDRDA[Ala3121Val]MNGLIKYSIS

ClinVar aggregate classification (germline): Uncertain significance (1 of 4 stars; one submission).

Allele frequency attached by ClinVar (database versions not stated): gnomAD exomes below 0.00001.
gnomAD v4.1: 7 of 1,614,038 alleles (0.00043%); highest among the groups gnomAD compares: Non-Finnish European, 0.00051%; no homozygotes.

Submission:

Labcorp Genetics (formerly Invitae), Labcorp
Classification: Uncertain significance. Last evaluated: 2022-08-12. Review status: criteria provided, single submitter. Criteria: Invitae Variant Classification Sherloc (09022015). Collection method: clinical testing. Allele origin: germline.
Comment: This sequence change replaces alanine, which is neutral and non-polar, with valine, which is neutral and non-polar, at codon 3119 of the FAT4 protein (p.Ala3119Val). This variant is present in population databases (no rsID available, gnomAD 0.006%). This variant has not been reported in the literature in individuals affected with FAT4-related conditions. Advanced modeling of protein sequence and biophysical properties (such as structural, functional, and spatial information, amino acid conservation, physicochemical variation, residue mobility, and thermodynamic stability) performed at Invitae indicates that this missense variant is not expected to disrupt FAT4 protein function. In summary, the available evidence is currently insufficient to determine the role of this variant in disease. Therefore, it has been classified as a Variant of Uncertain Significance.